The following is an entry in ClinVar:

ClinVar aggregate classification (germline): Pathogenic (1 of 4 stars; one submission).

Conditions:
Hereditary spastic paraplegia 4. Also called: Familial spastic paraplegia autosomal dominant 2; Spastic paraplegia 4, autosomal dominant; Spastic Paraplegia 4. Identifiers: Orphanet 100985, MedGen C1866855, MONDO:0008438, OMIM 182601.

Submission:

Labcorp Genetics (formerly Invitae), Labcorp
Classification: Pathogenic for Hereditary spastic paraplegia 4. Last evaluated: 2024-05-22. Review status: criteria provided, single submitter. Criteria: Invitae Variant Classification Sherloc (09022015). Collection method: clinical testing. Allele origin: germline.
Comment: This sequence change replaces serine, which is neutral and polar, with arginine, which is basic and polar, at codon 458 of the SPAST protein (p.Ser458Arg). This variant is not present in population databases (gnomAD no frequency). This missense change has been observed in individual(s) with clinical features of SPAST-related conditions (PMID: 25045380; Invitae). In at least one individual the variant was observed to be de novo. ClinVar contains an entry for this variant (Variation ID: 571926). Advanced modeling of protein sequence and biophysical properties (such as structural, functional, and spatial information, amino acid conservation, physicochemical variation, residue mobility, and thermodynamic stability) performed at Invitae indicates that this missense variant is expected to disrupt SPAST protein function with a positive predictive value of 80%. For these reasons, this variant has been classified as Pathogenic.

Literature cited by the submitters: PubMed 25045380.

NM_014946.4(SPAST):c.1374T>G (p.Ser458Arg)

Gene: SPAST (spastin; plus strand). Cytogenetic location: 2p22.3.
Variant type: single nucleotide variant.
Coding change: c.1374T>G on transcript NM_014946.4 (MANE Select); coding-DNA position 1374, T replaced by G.
Protein change: p.Ser458Arg; replaces serine 458 with arginine.
Molecular consequence: missense variant.
Genome position (GRCh38, 1-based): chr2:32,136,929, T>G. VCF-style: chr2-32136929-T-G. GRCh37 (hg19) VCF-style: chr2-32361998-T-G.
Other names: c.1371T>G, p.Ser457Arg (NM_001363823.2); c.1275T>G, p.Ser425Arg (NM_001363875.2); c.1278T>G, p.Ser426Arg (NM_001377959.1, NM_199436.2); short protein forms S458R, S425R, S426R, S457R.
Identifiers: ClinVar variation 571926 (VCV000571926.9), dbSNP rs1036039694, ClinGen allele CA346502280.